The following is an entry in ClinVar:

ClinVar aggregate classification (germline): Uncertain significance (1 of 4 stars; one submission).

Conditions:
Primary ciliary dyskinesia. Also called: Ciliary dyskinesia. Identifiers: Orphanet 244, MedGen C0008780, MONDO:0016575, HP:0012265.

Allele frequency attached by ClinVar (database versions not stated): ExAC 0.00001; gnomAD exomes 0.00001; TOPMed 0.00001.
gnomAD v4.1: 7 of 1,613,836 alleles (0.00043%); highest among the groups gnomAD compares: Admixed American, 0.0017%; no homozygotes.

Submission:

Labcorp Genetics (formerly Invitae), Labcorp
Classification: Uncertain significance for Primary ciliary dyskinesia. Last evaluated: 2024-10-07. Review status: criteria provided, single submitter. Criteria: Invitae Variant Classification Sherloc (09022015). Collection method: clinical testing. Allele origin: germline.
Comment: This sequence change replaces isoleucine, which is neutral and non-polar, with valine, which is neutral and non-polar, at codon 1217 of the DNAH5 protein (p.Ile1217Val). This variant is present in population databases (rs765615614, gnomAD 0.0009%). This variant has not been reported in the literature in individuals affected with DNAH5-related conditions. ClinVar contains an entry for this variant (Variation ID: 2081827). Invitae Evidence Modeling of protein sequence and biophysical properties (such as structural, functional, and spatial information, amino acid conservation, physicochemical variation, residue mobility, and thermodynamic stability) indicates that this missense variant is not expected to disrupt DNAH5 protein function with a negative predictive value of 95%. In summary, the available evidence is currently insufficient to determine the role of this variant in disease. Therefore, it has been classified as a Variant of Uncertain Significance.

NM_001369.3(DNAH5):c.3649A>G (p.Ile1217Val)

Genes: DNAH5-AS1 (DNAH5 antisense RNA 1; plus strand), DNAH5 (dynein axonemal heavy chain 5; minus strand). Cytogenetic location: 5p15.2.
Variant type: single nucleotide variant.
Coding change: c.3649A>G on transcript NM_001369.3 (MANE Select); coding-DNA position 3649, A replaced by G.
Protein change: p.Ile1217Val; replaces isoleucine 1217 with valine.
Molecular consequence: missense variant.
Genome position (GRCh38, 1-based): chr5:13,870,952, T>C on the plus strand (A>G on the coding strand, the complement: DNAH5 is on the minus strand). VCF-style: chr5-13870952-T-C. GRCh37 (hg19) VCF-style: chr5-13871061-T-C.
Other names: short protein forms I1217V.
Identifiers: ClinVar variation 2081827 (VCV002081827.3), dbSNP rs765615614, ClinGen allele CA3204209.
Genomic context (GRCh38, chr5:13,870,952, plus strand): 5'-CAATAAGCATAAAAATGTTTTCCATCTCACTCCGGTATTTTTTGTTACAGTGGCGTCCAA[T>C]GACAACCATCCAGGCCTTTGTCTCAGCAGTCAGGGCGAACTTCAAGTCAGCTGTAAAAAC-3'
Protein context (NP_001360.1, residues 1207-1227): TAETKAWMVV[Ile1217Val]GRHCNKKYRS